The following is an entry in ClinVar:

ClinVar aggregate classification (germline): Conflicting classifications of pathogenicity. Review status: criteria provided, conflicting classifications (1 of 4 stars). 3 submissions from 3 submitters: Uncertain significance (1); Benign (1); Likely benign (1). Last evaluated 2025-09-28.

Conditions:
Inborn genetic diseases. Identifiers: MedGen C0950123, MeSH D030342.

Allele frequency attached by ClinVar (database versions not stated): TOPMed 0.00001; gnomAD exomes 0.00002; ExAC 0.00004; gnomAD 0.00005; ESP Exome Variant Server 0.00009.
gnomAD v4.1: 29 of 1,178,958 alleles (0.0025%); highest among the groups gnomAD compares: Non-Finnish European, 0.0019%; no homozygotes.

Submissions (3):

Labcorp Genetics (formerly Invitae), Labcorp
Classification: Benign. Last evaluated: 2025-09-28. Review status: criteria provided, single submitter. Criteria: Invitae Variant Classification Sherloc (09022015). Collection method: clinical testing. Allele origin: germline.

CeGaT Center for Human Genetics Tuebingen
Classification: Likely benign. Last evaluated: 2025-01-01. Review status: criteria provided, single submitter. Criteria: CeGaT Center For Human Genetics Tuebingen Variant Classification Criteria Version 2. Collection method: clinical testing. Allele origin: germline. Affected: yes. Observed: 1 variant allele.
Comment: AMER1: BP4, BS2

Ambry Genetics
Classification: Uncertain significance for Inborn genetic diseases. Last evaluated: 2022-04-08. Review status: criteria provided, single submitter. Criteria: Ambry Variant Classification Scheme 2023. Collection method: clinical testing. Allele origin: germline.

NM_152424.4(AMER1):c.683A>T (p.Asn228Ile)

Gene: AMER1 (APC membrane recruitment protein 1; minus strand). Cytogenetic location: Xq11.2.
Variant type: single nucleotide variant.
Coding change: c.683A>T on transcript NM_152424.4 (MANE Select); coding-DNA position 683, A replaced by T.
Protein change: p.Asn228Ile; replaces asparagine 228 with isoleucine.
Molecular consequence: missense variant.
Genome position (GRCh38, 1-based): chrX:64,192,604, T>A on the plus strand (A>T on the coding strand, the complement: AMER1 is on the minus strand). VCF-style: chrX-64192604-T-A. GRCh37 (hg19) VCF-style: chrX-63412484-T-A.
Other names: c.683A>T (NM_152424.3); short protein forms N228I.
Identifiers: ClinVar variation 2421212 (VCV002421212.20), dbSNP rs140299861, ClinGen allele CA10432440.